The following is an entry in ClinVar:

NM_001080453.3(INTS1):c.217G>A (p.Gly73Ser)

Gene: INTS1 (integrator complex subunit 1; minus strand). Cytogenetic location: 7p22.3.
Variant type: single nucleotide variant.
Coding change: c.217G>A on transcript NM_001080453.3 (MANE Select); coding-DNA position 217, G replaced by A.
Protein change: p.Gly73Ser; replaces glycine 73 with serine.
Molecular consequence: missense variant.
Genome position (GRCh38, 1-based): chr7:1,503,033, C>T on the plus strand (G>A on the coding strand, the complement: INTS1 is on the minus strand). VCF-style: chr7-1503033-C-T. GRCh37 (hg19) VCF-style: chr7-1542669-C-T.
Other names: short protein forms G73S.
Identifiers: ClinVar variation 3358500 (VCV003358500.1).

ClinVar aggregate classification (germline): Uncertain significance (0 of 4 stars; one submission).

Conditions:
INTS1-related disorder. Also called: INTS1-related condition.

gnomAD v4.1: 8 of 1,613,554 alleles (0.0005%); highest among the groups gnomAD compares: African/African-American, 0.0027%; no homozygotes.

Submission:

PreventionGenetics, part of Exact Sciences
Classification: Uncertain significance for INTS1-related condition. Last evaluated: 2024-03-22. Review status: no assertion criteria provided. Collection method: clinical testing. Allele origin: germline.
Comment: The INTS1 c.217G>A variant is predicted to result in the amino acid substitution p.Gly73Ser. To our knowledge, this variant has not been reported in the literature. This variant is reported in 0.00089% of alleles in individuals of European (Non-Finnish) descent in gnomAD. At this time, the clinical significance of this variant is uncertain due to the absence of conclusive functional and genetic evidence.